The following is an entry in ClinVar:

NM_005733.3(KIF20A):c.1267C>T (p.Arg423Trp)

Gene: KIF20A (kinesin family member 20A; plus strand). Cytogenetic location: 5q31.2.
Variant type: single nucleotide variant.
Coding change: c.1267C>T on transcript NM_005733.3 (MANE Select); coding-DNA position 1267, C replaced by T.
Protein change: p.Arg423Trp; replaces arginine 423 with tryptophan.
Molecular consequence: missense variant.
Genome position (GRCh38, 1-based): chr5:138,184,020, C>T. VCF-style: chr5-138184020-C-T. GRCh37 (hg19) VCF-style: chr5-137519709-C-T.
Other names: short protein forms R423W.
Identifiers: ClinVar variation 3617072 (VCV003617072.2).

ClinVar aggregate classification (germline): Uncertain significance (1 of 4 stars; one submission).

gnomAD v4.1: 4 of 1,614,132 alleles (0.00025%); highest among the groups gnomAD compares: Non-Finnish European, 0.00025%; no homozygotes.

Submission:

Labcorp Genetics (formerly Invitae), Labcorp
Classification: Uncertain significance. Last evaluated: 2024-07-25. Review status: criteria provided, single submitter. Criteria: Invitae Variant Classification Sherloc (09022015). Collection method: clinical testing. Allele origin: germline.
Comment: This sequence change replaces arginine, which is basic and polar, with tryptophan, which is neutral and slightly polar, at codon 423 of the KIF20A protein (p.Arg423Trp). The frequency data for this variant in the population databases is considered unreliable, as metrics indicate poor data quality at this position in the gnomAD database. This variant has not been reported in the literature in individuals affected with KIF20A-related conditions. An algorithm developed to predict the effect of missense changes on protein structure and function (PolyPhen-2) suggests that this variant is likely to be disruptive. In summary, the available evidence is currently insufficient to determine the role of this variant in disease. Therefore, it has been classified as a Variant of Uncertain Significance.